The following is an entry in ClinVar:

NM_002500.5(NEUROD1):c.852T>C (p.Ser284=)

Gene: NEUROD1 (neuronal differentiation 1; minus strand). Cytogenetic location: 2q31.3.
Variant type: single nucleotide variant.
Coding change: c.852T>C on transcript NM_002500.5 (MANE Select); coding-DNA position 852, T replaced by C.
Protein change: p.Ser284=; no amino-acid change (serine 284 retained).
Molecular consequence: synonymous variant.
Genome position (GRCh38, 1-based): chr2:181,678,009, A>G on the plus strand (T>C on the coding strand, the complement: NEUROD1 is on the minus strand). VCF-style: chr2-181678009-A-G. GRCh37 (hg19) VCF-style: chr2-182542736-A-G.
Identifiers: ClinVar variation 3031496 (VCV003031496.2), dbSNP rs2468609119, ClinGen allele CA430519596.

ClinVar aggregate classification (germline): Likely benign (0 of 4 stars; one submission).

Conditions:
NEUROD1-related disorder. Also called: NEUROD1-related condition.

Submission:

PreventionGenetics, part of Exact Sciences
Classification: Likely benign for NEUROD1-related condition. Last evaluated: 2021-02-16. Review status: no assertion criteria provided. Collection method: clinical testing. Allele origin: germline.
Comment: This variant is classified as likely benign based on ACMG/AMP sequence variant interpretation guidelines (Richards et al. 2015 PMID: 25741868, with internal and published modifications).